The following is an entry in ClinVar:

ClinVar aggregate classification (germline): Uncertain significance (0 of 4 stars; one submission).

Conditions:
PARN-related disorder. Also called: PARN-related disorders; PARN-related condition.

Allele frequency attached by ClinVar (database versions not stated): gnomAD exomes below 0.00001; TOPMed below 0.00001.
gnomAD v4.1: 2 of 1,603,268 alleles (0.00012%); highest among the groups gnomAD compares: Non-Finnish European, 0.00017%; no homozygotes.

Submission:

PreventionGenetics, part of Exact Sciences
Classification: Uncertain significance for PARN-related condition. Last evaluated: 2024-01-23. Review status: no assertion criteria provided. Collection method: clinical testing. Allele origin: germline.
Comment: The PARN c.863A>G variant is predicted to result in the amino acid substitution p.Asn288Ser. To our knowledge, this variant has not been reported in the literature or in a large population database, indicating this variant is rare. At this time, the clinical significance of this variant is uncertain due to the absence of conclusive functional and genetic evidence.

NM_002582.4(PARN):c.863A>G (p.Asn288Ser)

Gene: PARN (poly(A)-specific ribonuclease; minus strand). Cytogenetic location: 16p13.12.
Variant type: single nucleotide variant.
Coding change: c.863A>G on transcript NM_002582.4 (MANE Select); coding-DNA position 863, A replaced by G.
Protein change: p.Asn288Ser; replaces asparagine 288 with serine.
Molecular consequence: missense variant.
Genome position (GRCh38, 1-based): chr16:14,593,356, T>C on the plus strand (A>G on the coding strand, the complement: PARN is on the minus strand). VCF-style: chr16-14593356-T-C. GRCh37 (hg19) VCF-style: chr16-14687213-T-C.
Other names: c.680A>G, p.Asn227Ser (NM_001134477.3); c.725A>G, p.Asn242Ser (NM_001242992.2); short protein forms N227S, N242S, N288S.
Identifiers: ClinVar variation 3061328 (VCV003061328.2), dbSNP rs1970311758, ClinGen allele CA394804717.